The following is an entry in ClinVar:

ClinVar aggregate classification (germline): Pathogenic (1 of 4 stars; one submission).

Conditions:
Autosomal recessive nonsyndromic hearing loss 6. Also called: NEUROSENSORY NONSYNDROMIC RECESSIVE DEAFNESS 6. Identifiers: Orphanet 90636, MedGen C1832992, MONDO:0010965, OMIM 600971.

Submission:

3billion
Classification: Pathogenic for Autosomal recessive nonsyndromic hearing loss 6. Last evaluated: 2025-12-16. Review status: criteria provided, single submitter. Criteria: ACMG Guidelines, 2015. Collection method: clinical testing. Allele origin: germline. Affected: yes.
Comment: The variant is not observed in the gnomAD v4.1.0 dataset. Predicted Consequence/Location: Canonical splice site: predicted to alter splicing and result in a loss or disruption of normal protein function. Multiple pathogenic loss-of-function variants are reported downstream of the variant. In silico tools predict the variant to alter splicing and produce an abnormal transcript [SpliceAI: 1.00 (spliceogenicity >=0.2, non-spliceogenicity <0.1)]. The variant has been reported to be associated with TMIE-related disorder (PMID: 16389551). Therefore, this variant is classified as Pathogenic according to the recommendation of ACMG/AMP guideline.

Literature cited by the submitters: PubMed 16389551.

NM_147196.3(TMIE):c.212-2A>C

Gene: TMIE (transmembrane inner ear; plus strand). Cytogenetic location: 3p21.31.
Variant type: single nucleotide variant.
Coding change: c.212-2A>C on transcript NM_147196.3 (MANE Select); the canonical splice acceptor site of the intron before coding-DNA position 212, A replaced by C.
Molecular consequence: splice acceptor variant.
Genome position (GRCh38, 1-based): chr3:46,709,124, A>C. VCF-style: chr3-46709124-A-C. GRCh37 (hg19) VCF-style: chr3-46750614-A-C.
Other names: c.53-2A>C (NM_001370524.1, NM_001370525.1).
Identifiers: ClinVar variation 4855376 (VCV004855376.1).